The following is an entry in ClinVar:

ClinVar aggregate classification (germline): Uncertain significance (1 of 4 stars; one submission).

Conditions:
Left ventricular noncompaction 1 (LVNC1). Also called: LEFT VENTRICULAR NONCOMPACTION 1 WITH OR WITHOUT CONGENITAL HEART DEFECTS. Identifiers: Orphanet 54260, MedGen C1858725, MONDO:0011403, OMIM 604169.

Submission:

Labcorp Genetics (formerly Invitae), Labcorp
Classification: Uncertain significance for Left ventricular noncompaction 1. Last evaluated: 2023-11-03. Review status: criteria provided, single submitter. Criteria: Invitae Variant Classification Sherloc (09022015). Collection method: clinical testing. Allele origin: germline.
Comment: This sequence change falls in intron 5 of the DTNA gene. It does not directly change the encoded amino acid sequence of the DTNA protein. It affects a nucleotide within the consensus splice site. This variant is not present in population databases (gnomAD no frequency). This variant has not been reported in the literature in individuals affected with DTNA-related conditions. Variants that disrupt the consensus splice site are a relatively common cause of aberrant splicing (PMID: 17576681, 9536098). Algorithms developed to predict the effect of sequence changes on RNA splicing suggest that this variant is not likely to affect RNA splicing. In summary, the available evidence is currently insufficient to determine the role of this variant in disease. Therefore, it has been classified as a Variant of Uncertain Significance.

Literature cited by the submitters: PubMed 17576681; PubMed 9536098.

NM_001386795.1(DTNA):c.603+3dup

Gene: DTNA (dystrobrevin alpha; plus strand). Cytogenetic location: 18q12.1.
Variant type: Duplication.
Coding change: c.603+3dup on transcript NM_001386795.1 (MANE Select); 3 bases into the intron after coding-DNA position 603, one base duplicated (A; older notation c.603+3dupA).
Molecular consequence: intron variant.
Genome position (GRCh38, 1-based): chr18:34,812,116, A duplicated. VCF-style (leftmost placement, unchanged base first): chr18-34812115-T-TA. GRCh37 (hg19) VCF-style: chr18-32392079-T-TA.
Other names: c.603+3dup (NM_001391.5, NM_001386758.1, NM_001386759.1 and 35 more transcripts).
Identifiers: ClinVar variation 2892771 (VCV002892771.3), dbSNP rs2517763145, ClinGen allele CA2641445293.